The following is an entry in ClinVar:

NM_005802.5(TOPORS):c.572C>T (p.Ser191Phe)

Gene: TOPORS (TOP1 binding arginine/serine rich protein, E3 ubiquitin ligase; minus strand). Cytogenetic location: 9p21.1.
Variant type: single nucleotide variant.
Coding change: c.572C>T on transcript NM_005802.5 (MANE Select); coding-DNA position 572, C replaced by T.
Protein change: p.Ser191Phe; replaces serine 191 with phenylalanine.
Molecular consequence: missense variant.
Genome position (GRCh38, 1-based): chr9:32,543,953, G>A on the plus strand (C>T on the coding strand, the complement: TOPORS is on the minus strand). VCF-style: chr9-32543953-G-A. GRCh37 (hg19) VCF-style: chr9-32543951-G-A.
Other names: c.377C>T, p.Ser126Phe (NM_001195622.2); c.572C>T (NM_005802.4); short protein forms S191F, S126F.
Identifiers: ClinVar variation 1972359 (VCV001972359.7), dbSNP rs762635429, ClinGen allele CA5020627.

ClinVar aggregate classification (germline): Uncertain significance. Review status: criteria provided, multiple submitters, no conflicts (2 of 4 stars). 3 submissions from 3 submitters: Uncertain significance (2). 1 of the submissions does not count toward it. Last evaluated 2024-04-24.

Conditions:
Inborn genetic diseases. Identifiers: MedGen C0950123, MeSH D030342.
Retinal dystrophy. Also called: Inherited retinal dystrophy. Identifiers: Orphanet 71862, MedGen C0854723, MeSH D058499, MONDO:0019118, HP:0000556.

Allele frequency attached by ClinVar (database versions not stated): gnomAD exomes below 0.00001; ExAC 0.00001; TOPMed 0.00001.
gnomAD v4.1: 2 of 1,614,142 alleles (0.00012%); highest among the groups gnomAD compares: African/African-American, 0.0027%; no homozygotes.

Submissions (3):

Ambry Genetics
Classification: Uncertain significance for Inborn genetic diseases. Last evaluated: 2024-04-24. Review status: criteria provided, single submitter. Criteria: Ambry Variant Classification Scheme 2023. Collection method: clinical testing. Allele origin: germline.

Labcorp Genetics (formerly Invitae), Labcorp
Classification: Uncertain significance. Last evaluated: 2022-04-23. Review status: criteria provided, single submitter. Criteria: Invitae Variant Classification Sherloc (09022015). Collection method: clinical testing. Allele origin: germline.
Comment: This variant has not been reported in the literature in individuals affected with TOPORS-related conditions. Algorithms developed to predict the effect of missense changes on protein structure and function are either unavailable or do not agree on the potential impact of this missense change (SIFT: "Deleterious"; PolyPhen-2: "Possibly Damaging"; Align-GVGD: "Class C0"). In summary, the available evidence is currently insufficient to determine the role of this variant in disease. Therefore, it has been classified as a Variant of Uncertain Significance. This sequence change replaces serine, which is neutral and polar, with phenylalanine, which is neutral and non-polar, at codon 191 of the TOPORS protein (p.Ser191Phe). This variant is present in population databases (rs762635429, gnomAD 0.007%).

Institute of Human Genetics, Univ. Regensburg, Univ. Regensburg
Classification: Uncertain significance for Retinal dystrophy. Last evaluated: 2022-01-01. Review status: no assertion criteria provided. Criteria: ACMG Guidelines, 2015. Collection method: clinical testing. Allele origin: germline. Affected: yes. Not counted in ClinVar's aggregate classification.